The following is an entry in ClinVar:

NM_015021.3(ZNF292):c.1624C>T (p.Gln542Ter)

Gene: ZNF292 (zinc finger protein 292; plus strand). Cytogenetic location: 6q14.3.
Variant type: single nucleotide variant.
Coding change: c.1624C>T on transcript NM_015021.3 (MANE Select); coding-DNA position 1624, C replaced by T.
Protein change: p.Gln542Ter; replaces glutamine 542 with a stop codon.
Molecular consequence: nonsense.
Genome position (GRCh38, 1-based): chr6:87,255,253, C>T. VCF-style: chr6-87255253-C-T. GRCh37 (hg19) VCF-style: chr6-87964971-C-T.
Other names: c.1204C>T, p.Gln402Ter (NM_001351444.2); short protein forms Q402*, Q542*.
Identifiers: ClinVar variation 4992911 (VCV004992911.1).

ClinVar aggregate classification (germline): Likely pathogenic (1 of 4 stars; one submission).

Conditions:
ZNF292-related disorder. Also called: ZNF292-related condition.

Submission:

PreventionGenetics, part of Exact Sciences
Classification: Likely pathogenic for ZNF292-related condition. Last evaluated: 2026-09-03. Review status: criteria provided, single submitter. Criteria: ACMG Guidelines, 2015. Collection method: clinical testing. Allele origin: germline.
Comment: The ZNF292 c.1624C>T variant is predicted to result in premature protein termination (p.Gln542*). To our knowledge, this variant has not been reported in the literature or in a large population database (gnomAD), indicating this variant is rare. Nonsense variants in ZNF292 are expected to be pathogenic. This variant is interpreted as likely pathogenic.